The following is an entry in ClinVar:

ClinVar aggregate classification (germline): Pathogenic (1 of 4 stars; one submission).

Conditions:
Glycogen storage disease IXb (GSD9B). Also called: PHOSPHORYLASE KINASE DEFICIENCY OF LIVER AND MUSCLE, AUTOSOMAL RECESSIVE; GLYCOGENOSIS OF LIVER AND MUSCLE, AUTOSOMAL RECESSIVE; GSD IXb. Identifiers: Orphanet 79240, MedGen C0543514, MONDO:0009868, OMIM 261750.

Allele frequency attached by ClinVar (database versions not stated): gnomAD exomes below 0.00001.
gnomAD v4.1: 3 of 1,609,514 alleles (0.00019%); highest among the groups gnomAD compares: Non-Finnish European, 0.00026%; no homozygotes.

Submission:

Labcorp Genetics (formerly Invitae), Labcorp
Classification: Pathogenic for Glycogen storage disease IXb. Last evaluated: 2023-07-17. Review status: criteria provided, single submitter. Criteria: Invitae Variant Classification Sherloc (09022015). Collection method: clinical testing. Allele origin: germline.
Comment: This sequence change creates a premature translational stop signal (p.Glu286*) in the PHKB gene. It is expected to result in an absent or disrupted protein product. Loss-of-function variants in PHKB are known to be pathogenic (PMID: 9215682, 9326319). This variant is not present in population databases (gnomAD no frequency). This variant has not been reported in the literature in individuals affected with PHKB-related conditions. For these reasons, this variant has been classified as Pathogenic.

Literature cited by the submitters: PubMed 9215682; PubMed 9326319.

NM_000293.3(PHKB):c.856G>T (p.Glu286Ter)

Gene: PHKB (phosphorylase kinase regulatory subunit beta; plus strand). Cytogenetic location: 16q12.1.
Variant type: single nucleotide variant.
Coding change: c.856G>T on transcript NM_000293.3 (MANE Select); coding-DNA position 856, G replaced by T.
Protein change: p.Glu286Ter; replaces glutamic acid 286 with a stop codon.
Molecular consequence: nonsense.
Genome position (GRCh38, 1-based): chr16:47,587,749, G>T. VCF-style: chr16-47587749-G-T. GRCh37 (hg19) VCF-style: chr16-47621660-G-T.
Other names: c.835G>T, p.Glu279Ter (NM_001031835.3); c.856G>T, p.Glu286Ter (NM_001363837.1); short protein forms E279*, E286*.
Identifiers: ClinVar variation 2744454 (VCV002744454.3), dbSNP rs2506372380, ClinGen allele CA395795535.